The following is an entry in ClinVar:

NM_020962.3(IGDCC4):c.3715C>T (p.Pro1239Ser)

Gene: IGDCC4 (immunoglobulin superfamily DCC subclass member 4; minus strand). Cytogenetic location: 15q22.31.
Variant type: single nucleotide variant.
Coding change: c.3715C>T on transcript NM_020962.3 (MANE Select); coding-DNA position 3715, C replaced by T.
Protein change: p.Pro1239Ser; replaces proline 1239 with serine.
Molecular consequence: missense variant.
Genome position (GRCh38, 1-based): chr15:65,384,047, G>A on the plus strand (C>T on the coding strand, the complement: IGDCC4 is on the minus strand). VCF-style: chr15-65384047-G-A. GRCh37 (hg19) VCF-style: chr15-65676385-G-A.
Other names: short protein forms P1239S.
Identifiers: ClinVar variation 2645460 (VCV002645460.24), dbSNP rs143179618, ClinGen allele CA7617068.
Genomic context (GRCh38, chr15:65,384,047, plus strand): 5'-AAACCACATCCTCTGGGAAGAGCTAGGCAGAGGAGGAGACCGGGGATCTGGGCAGGCCTG[G>A]GCTGGCTCCTAGAGGGCAGGGGGATTTGAGCTGGCAGCTATCTCCAGGGGTCTCCTCTAG-3'
Protein context (NP_066013.1, residues 1229-1249): LKSPCPLGAS[Pro1239Ser]GLPRSPVSSS

ClinVar aggregate classification (germline): Likely benign (1 of 4 stars; one submission).

Allele frequency attached by ClinVar (database versions not stated): gnomAD 0.00078; gnomAD exomes 0.00084; ESP Exome Variant Server 0.00085; TOPMed 0.00094; 1000 Genomes Project 0.00140; ExAC 0.00144; 1000 Genomes Project 30x 0.00156.
gnomAD v4.1: 1,406 of 1,611,426 alleles (0.087%); highest among the groups gnomAD compares: Middle Eastern, 1.4%; 4 homozygotes.

Submission:

CeGaT Center for Human Genetics Tuebingen
Classification: Likely benign. Last evaluated: 2024-01-01. Review status: criteria provided, single submitter. Criteria: CeGaT Center For Human Genetics Tuebingen Variant Classification Criteria Version 2. Collection method: clinical testing. Allele origin: germline. Affected: yes. Observed: 2 variant alleles.
Comment: IGDCC4: BP4